The following is an entry in ClinVar:

ClinVar aggregate classification (germline): Uncertain significance. Review status: criteria provided, multiple submitters, no conflicts (2 of 4 stars). 2 submissions from 2 submitters: Uncertain significance (2). Last evaluated 2025-07-16.

Conditions:
Hereditary nonpolyposis colorectal neoplasms. Identifiers: MedGen C0009405, MeSH D003123.
Hereditary cancer-predisposing syndrome. Also called: Hereditary neoplastic syndrome; Hereditary Cancer Syndrome; Neoplastic Syndromes, Hereditary; Tumor predisposition. Identifiers: Orphanet 140162, MedGen C0027672, MeSH D009386, MONDO:0015356.

gnomAD v4.1: 1 of 1,614,178 alleles (0.000062%); highest among the groups gnomAD compares: Non-Finnish European, 0.000085%; no homozygotes.

Submissions (2):

Ambry Genetics
Classification: Uncertain significance for Hereditary cancer-predisposing syndrome. Last evaluated: 2025-07-16. Review status: criteria provided, single submitter. Criteria: Ambry Variant Classification Scheme 2023. Collection method: clinical testing. Allele origin: germline.
Comment: The p.K930E variant (also known as c.2788A>G), located in coding exon 4 of the MSH6 gene, results from an A to G substitution at nucleotide position 2788. The lysine at codon 930 is replaced by glutamic acid, an amino acid with similar properties. This amino acid position is highly conserved in available vertebrate species. In addition, this alteration is predicted to be deleterious by in silico analysis. Based on the available evidence, the clinical significance of this variant remains unclear.

Labcorp Genetics (formerly Invitae), Labcorp
Classification: Uncertain significance for Hereditary nonpolyposis colorectal neoplasms. Last evaluated: 2024-01-15. Review status: criteria provided, single submitter. Criteria: Invitae Variant Classification Sherloc (09022015). Collection method: clinical testing. Allele origin: germline.
Comment: This sequence change replaces lysine, which is basic and polar, with glutamic acid, which is acidic and polar, at codon 930 of the MSH6 protein (p.Lys930Glu). This variant is not present in population databases (gnomAD no frequency). This variant has not been reported in the literature in individuals affected with MSH6-related conditions. ClinVar contains an entry for this variant (Variation ID: 237164). Advanced modeling of protein sequence and biophysical properties (such as structural, functional, and spatial information, amino acid conservation, physicochemical variation, residue mobility, and thermodynamic stability) performed at Invitae indicates that this missense variant is not expected to disrupt MSH6 protein function with a negative predictive value of 95%. In summary, the available evidence is currently insufficient to determine the role of this variant in disease. Therefore, it has been classified as a Variant of Uncertain Significance.

NM_000179.3(MSH6):c.2788A>G (p.Lys930Glu)

Gene: MSH6 (mutS homolog 6; plus strand). Cytogenetic location: 2p16.3.
Variant type: single nucleotide variant.
Coding change: c.2788A>G on transcript NM_000179.3 (MANE Select); coding-DNA position 2788, A replaced by G.
Protein change: p.Lys930Glu; replaces lysine 930 with glutamic acid.
Molecular consequence: missense variant.
Genome position (GRCh38, 1-based): chr2:47,800,771, A>G. VCF-style: chr2-47800771-A-G. GRCh37 (hg19) VCF-style: chr2-48027910-A-G.
Other names: c.2398A>G, p.Lys800Glu (NM_001281492.2); c.1882A>G, p.Lys628Glu (NM_001281493.2, NM_001281494.2); short protein forms K930E, K628E, K800E.
Identifiers: ClinVar variation 237164 (VCV000237164.16), dbSNP rs878853719, ClinGen allele CA10582067.
Genomic context (GRCh38, chr2:47,800,771, plus strand): 5'-AACCGATGGGATACAGCCTTTGACCATGAAAAGGCTCGAAAGACTGGACTTATTACTCCC[A>G]AAGCAGGCTTTGACTCTGATTATGACCAAGCTCTTGCTGACATAAGAGAAAATGAACAGA-3'
Protein context (NP_000170.1, residues 920-940): KARKTGLITP[Lys930Glu]AGFDSDYDQA